The following is an entry in ClinVar:

NM_001999.4(FBN2):c.3341C>T (p.Thr1114Met)

Gene: FBN2 (fibrillin 2; minus strand). Cytogenetic location: 5q23.3.
Variant type: single nucleotide variant.
Coding change: c.3341C>T on transcript NM_001999.4 (MANE Select); coding-DNA position 3341, C replaced by T.
Protein change: p.Thr1114Met; replaces threonine 1114 with methionine.
Molecular consequence: missense variant.
Genome position (GRCh38, 1-based): chr5:128,344,387, G>A on the plus strand (C>T on the coding strand, the complement: FBN2 is on the minus strand). VCF-style: chr5-128344387-G-A. GRCh37 (hg19) VCF-style: chr5-127680079-G-A.
Other names: short protein forms T1114M.
Identifiers: ClinVar variation 213306 (VCV000213306.20), dbSNP rs202219940, ClinGen allele CA325281.
Genomic context (GRCh38, chr5:128,344,387, plus strand): 5'-AACAGAGTAAAGGAAAGACAGCCAGAGTTTATCAAATAAAACAGCAGAACCATCTTACCC[G>A]TGCAGTTTCTTTCCTCCATGTCTAGAGCAAAGCCACTATTGCAACGGCATTTGAAGCTTC-3'
Protein context (NP_001990.2, residues 1104-1124): FALDMEERNC[Thr1114Met]DIDECRISPD

ClinVar aggregate classification (germline): Uncertain significance. Review status: criteria provided, multiple submitters, no conflicts (2 of 4 stars). 6 submissions from 6 submitters: Uncertain significance (6). Last evaluated 2026-06-22.

Conditions:
Familial thoracic aortic aneurysm and aortic dissection (TAAD). Also called: Thoracic aortic aneurysms and dissections. Identifiers: Orphanet 91387, MedGen C4707243, MONDO:0019625.
Congenital contractural arachnodactyly (CCA). Also called: Beals-Hecht syndrome; BEALS SYNDROME; Arthrogryposis, distal, type 9. Identifiers: Orphanet 115, MedGen C0220668, MONDO:0007363, OMIM 121050.

Allele frequency attached by ClinVar (database versions not stated): gnomAD exomes 0.00013 and 0.00008; ExAC 0.00012; TOPMed 0.00014; gnomAD 0.00013 and 0.00014.
gnomAD v4.1: 139 of 1,613,818 alleles (0.0086%); highest among the groups gnomAD compares: Admixed American, 0.03%; no homozygotes.

Submissions (6):

Women's Health and Genetics/Laboratory Corporation of America, LabCorp
Classification: Uncertain significance. Last evaluated: 2026-06-22. Review status: criteria provided, single submitter. Criteria: LabCorp Variant Classification Summary - May 2015. Collection method: clinical testing. Allele origin: germline.
Comment: Variant summary: FBN2 c.3341C>T (p.Thr1114Met) results in a non-conservative amino acid change in the encoded protein sequence. Algorithms developed to predict the effect of missense changes on protein structure and function all suggest that this variant is likely to be disruptive. Consensus agreement among computation tools predict no significant impact on normal splicing. However, these predictions have yet to be confirmed by functional studies. The variant allele was found at a frequency of 0.00013 in 251384 control chromosomes. This frequency is not significantly higher than estimated for disease-causing variants in FBN2, allowing no conclusion about variant significance. To our knowledge, no occurrence of c.3341C>T in individuals affected with FBN2-related conditions and no experimental evidence demonstrating its impact on protein function have been reported. ClinVar contains an entry for this variant (Variation ID: 213306). Based on the evidence outlined above, the variant was classified as uncertain significance.

Labcorp Genetics (formerly Invitae), Labcorp
Classification: Uncertain significance for Congenital contractural arachnodactyly. Last evaluated: 2025-12-06. Review status: criteria provided, single submitter. Criteria: Invitae Variant Classification Sherloc (09022015). Collection method: clinical testing. Allele origin: germline.
Comment: This sequence change replaces threonine, which is neutral and polar, with methionine, which is neutral and non-polar, at codon 1114 of the FBN2 protein (p.Thr1114Met). This variant is present in population databases (rs202219940, gnomAD 0.05%), and has an allele count higher than expected for a pathogenic variant. This variant has not been reported in the literature in individuals affected with FBN2-related conditions. ClinVar contains an entry for this variant (Variation ID: 213306). An algorithm developed to predict the effect of missense changes on protein structure and function (PolyPhen-2) suggests that this variant is likely to be disruptive. In summary, the available evidence is currently insufficient to determine the role of this variant in disease. Therefore, it has been classified as a Variant of Uncertain Significance.

Ambry Genetics
Classification: Uncertain significance for Familial thoracic aortic aneurysm and aortic dissection. Last evaluated: 2024-09-26. Review status: criteria provided, single submitter. Criteria: Ambry Variant Classification Scheme 2023. Collection method: clinical testing. Allele origin: germline.
Comment: The p.T1114M variant (also known as c.3341C>T), located in coding exon 25 of the FBN2 gene, results from a C to T substitution at nucleotide position 3341. The threonine at codon 1114 is replaced by methionine, an amino acid with similar properties. This amino acid position is highly conserved in available vertebrate species. In addition, this alteration is predicted to be deleterious by in silico analysis. Based on the available evidence, the clinical significance of this variant remains unclear.

GeneDx
Classification: Uncertain significance. Last evaluated: 2024-05-09. Review status: criteria provided, single submitter. Criteria: GeneDx Variant Classification Process June 2021. Collection method: clinical testing. Allele origin: germline. Affected: yes.
Comment: Has not been previously published as pathogenic or benign to our knowledge; In silico analysis supports that this missense variant has a deleterious effect on protein structure/function; Although located in a calcium-binding EGF-like domain of the FBN2 gene, it does not substitute or introduce a cysteine residue (PMID: 18767143, 19006240); This variant is associated with the following publications: (PMID: 18767143, 19006240)

Illumina Laboratory Services, Illumina
Classification: Uncertain significance for Congenital contractural arachnodactyly. Last evaluated: 2018-01-13. Review status: criteria provided, single submitter. Criteria: ICSL Variant Classification Criteria 13 December 2019. Collection method: clinical testing. Allele origin: germline.

Breakthrough Genomics
Classification: Uncertain significance. Review status: criteria provided, single submitter. Criteria: ACMG Guidelines, 2015. Collection method: not provided. Allele origin: germline. Inheritance: Autosomal dominant inheritance. Affected: yes.